The following is an entry in ClinVar:

ClinVar aggregate classification (germline): Uncertain significance (1 of 4 stars; one submission).

Conditions:
Familial hemophagocytic lymphohistiocytosis 3 (FHL3). Also called: UNC13D-Related Familial Hemophagocytic Lymphohistiocytosis (UNC13D-fHLH). Identifiers: Orphanet 540, MedGen C1837174, MONDO:0012146, OMIM 608898.

Submission:

Labcorp Genetics (formerly Invitae), Labcorp
Classification: Uncertain significance for Familial hemophagocytic lymphohistiocytosis 3. Last evaluated: 2022-01-26. Review status: criteria provided, single submitter. Criteria: Invitae Variant Classification Sherloc (09022015). Collection method: clinical testing. Allele origin: germline.
Comment: This sequence change replaces valine, which is neutral and non-polar, with methionine, which is neutral and non-polar, at codon 800 of the UNC13D protein (p.Val800Met). This variant is present in population databases (no rsID available, gnomAD 0.004%). This variant has not been reported in the literature in individuals affected with UNC13D-related conditions. Algorithms developed to predict the effect of missense changes on protein structure and function are either unavailable or do not agree on the potential impact of this missense change (SIFT: "Not Available"; PolyPhen-2: "Possibly Damaging"; Align-GVGD: "Not Available"). In summary, the available evidence is currently insufficient to determine the role of this variant in disease. Therefore, it has been classified as a Variant of Uncertain Significance.

NM_199242.3(UNC13D):c.2398G>A (p.Val800Met)

Gene: UNC13D (unc-13 homolog D; minus strand). Cytogenetic location: 17q25.1.
Variant type: single nucleotide variant.
Coding change: c.2398G>A on transcript NM_199242.3 (MANE Select); coding-DNA position 2398, G replaced by A.
Protein change: p.Val800Met; replaces valine 800 with methionine.
Molecular consequence: missense variant.
Genome position (GRCh38, 1-based): chr17:75,833,015, C>T on the plus strand (G>A on the coding strand, the complement: UNC13D is on the minus strand). VCF-style: chr17-75833015-C-T. GRCh37 (hg19) VCF-style: chr17-73829096-C-T.
Other names: short protein forms V800M.
Identifiers: ClinVar variation 1937883 (VCV001937883.2), dbSNP rs1249145582, ClinGen allele CA401085005.